The following is an entry in ClinVar:

NM_001374736.1(DST):c.4864G>T (p.Val1622Phe)

Gene: DST (dystonin; minus strand). Cytogenetic location: 6p12.1.
Variant type: single nucleotide variant.
Coding change: c.4864G>T on transcript NM_001374736.1 (MANE Select); coding-DNA position 4864, G replaced by T.
Protein change: p.Val1622Phe; replaces valine 1622 with phenylalanine.
Molecular consequence: missense variant.
Genome position (GRCh38, 1-based): chr6:56,624,595, C>A on the plus strand (G>T on the coding strand, the complement: DST is on the minus strand). VCF-style: chr6-56624595-C-A. GRCh37 (hg19) VCF-style: chr6-56489393-C-A.
Other names: c.4765G>T, p.Val1589Phe (NM_001144769.5); c.4351G>T, p.Val1451Phe (NM_001144770.2); c.4864G>T, p.Val1622Phe (NM_001374722.1); c.4231G>T, p.Val1411Phe (NM_001374729.1, NM_001374730.1, NM_001386100.1 and 1 more transcripts); c.4891G>T, p.Val1631Phe (NM_001374734.1); c.3253G>T, p.Val1085Phe (NM_001723.7, NM_015548.5); short protein forms V1085F, V1411F, V1451F, V1589F, V1622F, V1631F.
Identifiers: ClinVar variation 2421921 (VCV002421921.6), dbSNP rs1413343067, ClinGen allele CA364572585.

ClinVar aggregate classification (germline): Uncertain significance (1 of 4 stars; one submission).

Conditions:
Hereditary sensory and autonomic neuropathy type 6. Also called: Neuropathy, hereditary sensory and autonomic, type VI; HSAN VI. Identifiers: Orphanet 314381, MedGen C3539003, MONDO:0013839, OMIM 614653.
Epidermolysis bullosa simplex 3, localized or generalized intermediate, with BP230 deficiency (EBS3). Also called: Epidermolysis bullosa simplex, autosomal recessive 2; Epidermolysis bullosa simplex due to BP230 deficiency. Identifiers: Orphanet 412181, MedGen C3809470, MONDO:0014180, OMIM 615425.

Allele frequency attached by ClinVar (database versions not stated): gnomAD exomes below 0.00001; TOPMed 0.00001.
gnomAD v4.1: 6 of 1,613,072 alleles (0.00037%); highest among the groups gnomAD compares: African/African-American, 0.008%; no homozygotes.

Submission:

Labcorp Genetics (formerly Invitae), Labcorp
Classification: Uncertain significance for Epidermolysis bullosa simplex 3, localized or generalized intermediate, with BP230 deficiency; Hereditary sensory and autonomic neuropathy type 6. Last evaluated: 2022-03-11. Review status: criteria provided, single submitter. Criteria: Invitae Variant Classification Sherloc (09022015). Collection method: clinical testing. Allele origin: germline.
Comment: In summary, the available evidence is currently insufficient to determine the role of this variant in disease. Therefore, it has been classified as a Variant of Uncertain Significance. Algorithms developed to predict the effect of missense changes on protein structure and function (SIFT, PolyPhen-2, Align-GVGD) all suggest that this variant is likely to be disruptive. This variant has not been reported in the literature in individuals affected with DST-related conditions. This variant is not present in population databases (gnomAD no frequency). This sequence change replaces valine, which is neutral and non-polar, with phenylalanine, which is neutral and non-polar, at codon 1085 of the DST protein (p.Val1085Phe).